The following is an entry in ClinVar:

NM_002454.3(MTRR):c.1355_1361dup (p.Cys455fs)

Gene: MTRR (5-methyltetrahydrofolate-homocysteine methyltransferase reductase; plus strand). Cytogenetic location: 5p15.31.
Variant type: Duplication.
Coding change: c.1355_1361dup on transcript NM_002454.3 (MANE Select); coding-DNA positions 1355 to 1361, 7 bases duplicated (CATATTC; older notation c.1355_1361dupCATATTC).
Protein change: p.Cys455fs; shifts the reading frame from cysteine 455.
Molecular consequence: frameshift variant. On other transcripts: non-coding transcript variant (14).
Genome position (GRCh38, 1-based): chr5:7,891,399-7,891,405, CATATTC duplicated; duplicating any 7 consecutive bases within chr5:7,891,398-7,891,405 gives the same sequence; the c. name uses the placement nearest the transcript's 3' end. VCF-style (leftmost placement, unchanged base first): chr5-7891397-A-ACCATATT. GRCh37 (hg19) VCF-style: chr5-7891510-A-ACCATATT.
Other names: c.1355_1361dup, p.Cys455fs (NM_001364440.2, NM_001364441.2, NM_001364442.2 and 1 more transcripts); short protein forms C455fs.
Identifiers: ClinVar variation 2126896 (VCV002126896.4), dbSNP rs2479073064, ClinGen allele CA2580073440.

ClinVar aggregate classification (germline): Pathogenic (1 of 4 stars; one submission).

Conditions:
Methylcobalamin deficiency type cblE (HMAE). Also called: HOMOCYSTINURIA-MEGALOBLASTIC ANEMIA, cblE TYPE; HOMOCYSTINURIA-MEGALOBLASTIC ANEMIA, cblE COMPLEMENTATION TYPE; VITAMIN B12-RESPONSIVE HOMOCYSTINURIA, cblE TYPE. Identifiers: Orphanet 2169, Orphanet 622, MedGen C1856057, MONDO:0009354, OMIM 236270.

Submission:

Labcorp Genetics (formerly Invitae), Labcorp
Classification: Pathogenic for Methylcobalamin deficiency type cblE. Last evaluated: 2022-04-16. Review status: criteria provided, single submitter. Criteria: Invitae Variant Classification Sherloc (09022015). Collection method: clinical testing. Allele origin: germline.
Comment: This sequence change creates a premature translational stop signal (p.Cys455Ilefs*58) in the MTRR gene. It is expected to result in an absent or disrupted protein product. Loss-of-function variants in MTRR are known to be pathogenic (PMID: 15714522). This variant is not present in population databases (gnomAD no frequency). This variant has not been reported in the literature in individuals affected with MTRR-related conditions. For these reasons, this variant has been classified as Pathogenic.

Literature cited by the submitters: PubMed 15714522.